The following is an entry in ClinVar:

NM_000090.4(COL3A1):c.80-13A>C

Gene: COL3A1 (collagen type III alpha 1 chain; plus strand). Cytogenetic location: 2q32.2.
Variant type: single nucleotide variant.
Coding change: c.80-13A>C on transcript NM_000090.4 (MANE Select); 13 bases into the intron before coding-DNA position 80, A replaced by C.
Molecular consequence: intron variant.
Genome position (GRCh38, 1-based): chr2:188,984,747, A>C. VCF-style: chr2-188984747-A-C. GRCh37 (hg19) VCF-style: chr2-189849473-A-C.
Identifiers: ClinVar variation 333046 (VCV000333046.18), dbSNP rs566189676, ClinGen allele CA076950.

ClinVar aggregate classification (germline): Benign/Likely benign. Review status: criteria provided, multiple submitters, no conflicts (2 of 4 stars). 5 submissions from 5 submitters: Benign (3); Likely benign (2). Last evaluated 2025-11-16.

Conditions:
Ehlers-Danlos syndrome, type 4 (EDSVASC). Also called: Ehlers-Danlos Syndrome Type IV; Ehlers-Danlos syndrome vascular type; Ehlers Danlos syndrome, ecchymotic type; Ehlers Danlos syndrome, arterial type; Ehlers Danlos syndrome, Sack-Barabas type. Identifiers: Orphanet 286, MedGen C0268338, MONDO:0017314, OMIM 130050.
Familial thoracic aortic aneurysm and aortic dissection (TAAD). Also called: Thoracic aortic aneurysms and dissections. Identifiers: Orphanet 91387, MedGen C4707243, MONDO:0019625.

Allele frequency attached by ClinVar (database versions not stated): gnomAD 0.00001 and 0.00007; TOPMed 0.00003; gnomAD exomes 0.00019 and 0.00040; ExAC 0.00041; 1000 Genomes Project 30x 0.00094; 1000 Genomes Project 0.00100.
gnomAD v4.1: 284 of 1,612,300 alleles (0.018%); highest among the groups gnomAD compares: South Asian, 0.29%; 1 homozygote.

Submissions (5):

Labcorp Genetics (formerly Invitae), Labcorp
Classification: Benign for Ehlers-Danlos syndrome, type 4. Last evaluated: 2025-11-16. Review status: criteria provided, single submitter. Criteria: Invitae Variant Classification Sherloc (09022015). Collection method: clinical testing. Allele origin: germline.

Blueprint Genetics
Classification: Likely benign. Last evaluated: 2024-08-29. Review status: criteria provided, single submitter. Criteria: ACMG Guidelines, 2015. Collection method: clinical testing. Allele origin: germline.

GeneDx
Classification: Likely benign. Last evaluated: 2020-11-20. Review status: criteria provided, single submitter. Criteria: GeneDx Variant Classification Process June 2021. Collection method: clinical testing. Allele origin: germline. Affected: yes.

Color Diagnostics, LLC DBA Color Health
Classification: Benign for Familial thoracic aortic aneurysm and aortic dissection. Last evaluated: 2018-09-29. Review status: criteria provided, single submitter. Criteria: ACMG Guidelines, 2015. Collection method: clinical testing. Allele origin: germline.

Illumina Laboratory Services, Illumina
Classification: Benign for Ehlers-Danlos syndrome, type 4. Last evaluated: 2018-01-13. Review status: criteria provided, single submitter. Criteria: ICSL Variant Classification Criteria 13 December 2019. Collection method: clinical testing. Allele origin: germline.
Comment: This variant was observed in the ICSL laboratory as part of a predisposition screen in an ostensibly healthy population. It had not been previously curated by ICSL or reported in the Human Gene Mutation Database (HGMD: prior to June 1st, 2018), and was therefore a candidate for classification through an automated scoring system. Utilizing variant allele frequency, disease prevalence and penetrance estimates, and inheritance mode, an automated score was calculated to assess if this variant is too frequent to cause the disease. Based on the score and internal cut-off values, a variant classified as benign is not then subjected to further curation. The score for this variant resulted in a classification of benign for this disease.